The following is an entry in ClinVar:

NM_001042545.2(LTBP4):c.283G>A (p.Val95Met)

Gene: LTBP4 (latent transforming growth factor beta binding protein 4; plus strand). Cytogenetic location: 19q13.2.
Variant type: single nucleotide variant.
Coding change: c.283G>A on transcript NM_001042545.2 (MANE Select); coding-DNA position 283, G replaced by A.
Protein change: p.Val95Met; replaces valine 95 with methionine.
Molecular consequence: missense variant.
Genome position (GRCh38, 1-based): chr19:40,605,067, G>A. VCF-style: chr19-40605067-G-A. GRCh37 (hg19) VCF-style: chr19-41110973-G-A.
Other names: c.484G>A, p.Val162Met (NM_001042544.1); c.373G>A, p.Val125Met (NM_003573.2); short protein forms V125M, V162M, V95M.
Identifiers: ClinVar variation 3235012 (VCV003235012.2), dbSNP rs775810296, ClinGen allele CA9448001.
Genomic context (GRCh38, chr19:40,605,067, plus strand): 5'-CCCCTGAGTGTCCTCGTTCTCCTCCCAGTCCTGTGTCCCTTGATCTGTCACAATGGCGGT[G>A]TGTGCGTGAAGCCTGACCGCTGCCTCTGTCCCCCGGACTTCGCTGGCAAGTTCTGCCAGT-3'
Protein context (NP_001036010.1, residues 85-105): LCPLICHNGG[Val95Met]CVKPDRCLCP

ClinVar aggregate classification (germline): Uncertain significance. Review status: criteria provided, multiple submitters, no conflicts (2 of 4 stars). 2 submissions from 2 submitters: Uncertain significance (2). Last evaluated 2025-12-08.

Conditions:
Cutis laxa with severe pulmonary, gastrointestinal and urinary anomalies. Also called: URBAN-RIFKIN-DAVIS SYNDROME; Cutis laxa, autosomal recessive, type IC; LTBP4-Related Cutis Laxa. Identifiers: Orphanet 221145, MedGen C2750804, MONDO:0013170, OMIM 613177. Disease mechanism: loss of function.

Allele frequency attached by ClinVar (database versions not stated): gnomAD 0.00001; gnomAD exomes 0.00001; TOPMed 0.00001; ExAC 0.00002.
gnomAD v4.1: 24 of 1,613,640 alleles (0.0015%); highest among the groups gnomAD compares: Non-Finnish European, 0.0017%; no homozygotes.

Submissions (2):

Labcorp Genetics (formerly Invitae), Labcorp
Classification: Uncertain significance. Last evaluated: 2025-12-08. Review status: criteria provided, single submitter. Criteria: Invitae Variant Classification Sherloc (09022015). Collection method: clinical testing. Allele origin: germline.
Comment: This sequence change replaces valine, which is neutral and non-polar, with methionine, which is neutral and non-polar, at codon 125 of the LTBP4 protein (p.Val125Met). This variant is present in population databases (rs775810296, gnomAD 0.003%). This variant has not been reported in the literature in individuals affected with LTBP4-related conditions. ClinVar contains an entry for this variant (Variation ID: 3235012). Experimental studies and prediction algorithms are not available or were not evaluated, and the functional significance of this variant is currently unknown. In summary, the available evidence is currently insufficient to determine the role of this variant in disease. Therefore, it has been classified as a Variant of Uncertain Significance.

Neuberg Centre For Genomic Medicine, NCGM
Classification: Uncertain significance for Cutis laxa with severe pulmonary, gastrointestinal and urinary anomalies. Review status: criteria provided, single submitter. Criteria: ACMG Guidelines, 2015. Collection method: clinical testing. Allele origin: germline. Inheritance: Autosomal recessive inheritance. Affected: yes.
Comment: The missense c.283G>Ap.Val95Met variant in LTBP4 gene has not been reported previously as a pathogenic variant nor a benign variant, to our knowledge. The p.Val95Met variant has been reported with allele frequency of 0.0008% in gnomAD Exomes and is novel not in any individuals in 1000 Genomes. This variant has not been reported to the ClinVar database. The amino acid change p.Val95Met in LTBP4 is predicted as conserved by GERP++ and PhyloP across 100 vertebrates. The amino acid Val at position 95 is changed to a Met changing protein sequence and it might alter its composition and physico-chemical properties. For these reasons, this variant has been classified as a Variant of Uncertain Significance VUS.